The following is an entry in ClinVar:

NM_005450.6(NOG):c.632G>A (p.Gly211Glu)

Gene: NOG (noggin; plus strand). Cytogenetic location: 17q22.
Variant type: single nucleotide variant.
Coding change: c.632G>A on transcript NM_005450.6 (MANE Select); coding-DNA position 632, G replaced by A.
Protein change: p.Gly211Glu; replaces glycine 211 with glutamic acid.
Molecular consequence: missense variant.
Genome position (GRCh38, 1-based): chr17:56,594,855, G>A. VCF-style: chr17-56594855-G-A. GRCh37 (hg19) VCF-style: chr17-54672216-G-A.
Other names: short protein forms G211E.
Identifiers: ClinVar variation 2875816 (VCV002875816.3), dbSNP rs2052472475, ClinGen allele CA399966747.
Genomic context (GRCh38, chr17:56,594,855, plus strand): 5'-TGTGCAAGCCGTCCAAGTCCGTGCACCTCACGGTGCTGCGGTGGCGCTGTCAGCGGCGCG[G>A]GGGCCAGCGCTGCGGCTGGATTCCCATCCAGTACCCCATCATTTCCGAGTGCAAGTGCTC-3'
Protein context (NP_005441.1, residues 201-221): TVLRWRCQRR[Gly211Glu]GQRCGWIPIQ

ClinVar aggregate classification (germline): Uncertain significance (1 of 4 stars; one submission).

Allele frequency attached by ClinVar (database versions not stated): TOPMed below 0.00001.

Submission:

Labcorp Genetics (formerly Invitae), Labcorp
Classification: Uncertain significance. Last evaluated: 2024-01-18. Review status: criteria provided, single submitter. Criteria: Invitae Variant Classification Sherloc (09022015). Collection method: clinical testing. Allele origin: germline.
Comment: This sequence change replaces glycine, which is neutral and non-polar, with glutamic acid, which is acidic and polar, at codon 211 of the NOG protein (p.Gly211Glu). This variant is not present in population databases (gnomAD no frequency). This variant has not been reported in the literature in individuals affected with NOG-related conditions. An algorithm developed to predict the effect of missense changes on protein structure and function (PolyPhen-2) suggests that this variant is likely to be disruptive. In summary, the available evidence is currently insufficient to determine the role of this variant in disease. Therefore, it has been classified as a Variant of Uncertain Significance.